The following is an entry in ClinVar:

NM_152641.4(ARID2):c.1518G>A (p.Ala506=)

Gene: ARID2 (AT-rich interaction domain 2; plus strand). Cytogenetic location: 12q12.
Variant type: single nucleotide variant.
Coding change: c.1518G>A on transcript NM_152641.4 (MANE Select); coding-DNA position 1518, G replaced by A.
Protein change: p.Ala506=; no amino-acid change (alanine 506 retained).
Molecular consequence: synonymous variant.
Genome position (GRCh38, 1-based): chr12:45,846,875, G>A. VCF-style: chr12-45846875-G-A. GRCh37 (hg19) VCF-style: chr12-46240658-G-A.
Other names: c.1518G>A, p.Ala506= (NM_001347839.2); c.1518G>A (NM_152641.3).
Identifiers: ClinVar variation 712973 (VCV000712973.29), dbSNP rs148462633, ClinGen allele CA6526158.
Genomic context (GRCh38, chr12:45,846,875, plus strand): 5'-ACTTTTAAGAAATGATGTAGCTAATGTATTTTTTTCTTTAGCTTCCAGAGCAGTTGTAGC[G>A]CAGCATGTTGCTCCACCTCCAGGAATAGTGGAAATAGATAGTGAGAAGTTTGCTTGTCAG-3'
Protein context (NP_689854.2, residues 496-516): ASAPASRAVV[Ala506=]QHVAPPPGIV

ClinVar aggregate classification (germline): Benign/Likely benign. Review status: criteria provided, multiple submitters, no conflicts (2 of 4 stars). 4 submissions from 4 submitters: Benign (2); Likely benign (1). 1 of the submissions does not count toward it. Last evaluated 2026-02-01.

Conditions:
ARID2-related disorder. Also called: ARID2-related condition.

Allele frequency attached by ClinVar (database versions not stated): 1000 Genomes Project 30x 0.00016; 1000 Genomes Project 0.00020; gnomAD exomes 0.00079 and 0.00178; gnomAD 0.00096 and 0.00097; TOPMed 0.00106; ESP Exome Variant Server 0.00123; ExAC 0.00163.
gnomAD v4.1: 1,395 of 1,612,952 alleles (0.086%); highest among the groups gnomAD compares: Middle Eastern, 0.18%; 16 homozygotes.

Submissions (4):

CeGaT Center for Human Genetics Tuebingen
Classification: Likely benign. Last evaluated: 2026-02-01. Review status: criteria provided, single submitter. Criteria: CeGaT Center For Human Genetics Tuebingen Variant Classification Criteria Version 2. Collection method: clinical testing. Allele origin: germline. Affected: yes. Observed: 4 variant alleles.
Comment: ARID2: BP4, BP7

Labcorp Genetics (formerly Invitae), Labcorp
Classification: Benign. Last evaluated: 2019-12-31. Review status: criteria provided, single submitter. Criteria: Invitae Variant Classification Sherloc (09022015). Collection method: clinical testing. Allele origin: germline.

Breakthrough Genomics
Classification: Benign. Review status: criteria provided, single submitter. Criteria: ACMG Guidelines, 2015. Collection method: not provided. Allele origin: germline. Inheritance: Autosomal dominant inheritance. Affected: yes.

PreventionGenetics, part of Exact Sciences
Classification: Benign for ARID2-related condition. Last evaluated: 2020-02-20. Review status: no assertion criteria provided. Collection method: clinical testing. Allele origin: germline. Not counted in ClinVar's aggregate classification.
Comment: This variant is classified as benign based on ACMG/AMP sequence variant interpretation guidelines (Richards et al. 2015 PMID: 25741868, with internal and published modifications).